The following is an entry in ClinVar:

ClinVar aggregate classification (germline): Pathogenic (1 of 4 stars; one submission).

Conditions:
Immunodeficiency 25. Also called: Immunodeficiency due to defect in cd3-zeta, somatic. Identifiers: MedGen C1857798, MONDO:0012426, OMIM 610163.

Submission:

Labcorp Genetics (formerly Invitae), Labcorp
Classification: Pathogenic for Immunodeficiency 25. Last evaluated: 2022-05-29. Review status: criteria provided, single submitter. Criteria: Invitae Variant Classification Sherloc (09022015). Collection method: clinical testing. Allele origin: germline.
Comment: This variant has not been reported in the literature in individuals affected with CD247-related conditions. This variant is a gross deletion of the genomic region encompassing exon(s) 1 of the CD247 gene, which includes the initiator codon. This deletion extends beyond the assayed region for this gene and therefore may encompass additional genes. It is expected to result in an absent or disrupted protein product. Loss-of-function variants in CD247 are known to be pathogenic (PMID: 17170122, 26542031). For these reasons, this variant has been classified as Pathogenic.

Literature cited by the submitters: PubMed 17170122; PubMed 26542031.

NC_000001.10:g.(?_167487625)_(167487702_?)del

Gene: CD247 (CD247 molecule; minus strand). Cytogenetic location: 1q24.2.
Variant type: Deletion.
Identifiers: ClinVar variation 2427629 (VCV002427629.4).